The following is an entry in ClinVar:

NM_000875.5(IGF1R):c.118C>T (p.Arg40Cys)

Gene: IGF1R (insulin like growth factor 1 receptor; plus strand). Cytogenetic location: 15q26.3.
Variant type: single nucleotide variant.
Coding change: c.118C>T on transcript NM_000875.5 (MANE Select); coding-DNA position 118, C replaced by T.
Protein change: p.Arg40Cys; replaces arginine 40 with cysteine.
Molecular consequence: missense variant.
Genome position (GRCh38, 1-based): chr15:98,707,585, C>T. VCF-style: chr15-98707585-C-T. GRCh37 (hg19) VCF-style: chr15-99250814-C-T.
Other names: c.118C>T, p.Arg40Cys (NM_001291858.2); c.118C>T (NM_000875.3); short protein forms R40C.
Identifiers: ClinVar variation 635840 (VCV000635840.4), dbSNP rs1596214066, ClinGen allele CA393696572.
Genomic context (GRCh38, chr15:98,707,585, plus strand): 5'-TTCTAACTGAGACGTTTACCCTCTTGTCTCCCTTCAGTCTGCGGGCCAGGCATCGACATC[C>T]GCAACGACTATCAGCAGCTGAAGCGCCTGGAGAACTGCACGGTGATCGAGGGCTACCTCC-3'
Protein context (NP_000866.1, residues 30-50): GEICGPGIDI[Arg40Cys]NDYQQLKRLE

ClinVar aggregate classification (germline): Conflicting classifications of pathogenicity. Review status: criteria provided, conflicting classifications (1 of 4 stars). 2 submissions from 2 submitters: Likely pathogenic (1); Uncertain significance (1). Last evaluated 2026-04-13.

Conditions:
Growth delay due to insulin-like growth factor I resistance. Also called: Somatomedin end-organ insensitivity to; Somatomedin-c resistance to; IGF-1 resistance; IGF-I RESISTANCE; Insulin-Like Growth Factor I Resistance. Identifiers: Orphanet 73273, MedGen C1849157, MONDO:0010038, OMIM 270450.

Submissions (2):

GeneDx
Classification: Uncertain significance. Last evaluated: 2026-04-13. Review status: criteria provided, single submitter. Criteria: GeneDx Variant Classification Process June 2021. Collection method: clinical testing. Allele origin: germline.
Comment: Identified in a patient with short stature and microcephaly (PMID: 31586944); In silico analysis supports that this missense variant has a deleterious effect on protein structure/function; Not observed at significant frequency in large population cohorts (gnomAD); This variant is associated with the following publications: (PMID: 31586944)

Centre de recherche St Antoine, Sorbonne Université, INSERM, Sorbonne University
Classification: Likely pathogenic for Growth delay due to insulin-like growth factor I resistance. Last evaluated: 2019-01-04. Review status: criteria provided, single submitter. Criteria: ACMG Guidelines, 2015. Collection method: clinical testing. Allele origin: unknown. Affected: yes. Observed: 1 variant allele.